The following is an entry in ClinVar:

NM_000455.5(STK11):c.432G>T (p.Pro144=)

Gene: STK11 (serine/threonine kinase 11; plus strand). Cytogenetic location: 19p13.3.
Variant type: single nucleotide variant.
Coding change: c.432G>T on transcript NM_000455.5 (MANE Select); coding-DNA position 432, G replaced by T.
Protein change: p.Pro144=; no amino-acid change (proline 144 retained).
Molecular consequence: synonymous variant.
Genome position (GRCh38, 1-based): chr19:1,219,381, G>T. VCF-style: chr19-1219381-G-T. GRCh37 (hg19) VCF-style: chr19-1219380-G-T.
Identifiers: ClinVar variation 824800 (VCV000824800.18), dbSNP rs376788924, ClinGen allele CA047599.
Genomic context (GRCh38, chr19:1,219,381, plus strand): 5'-CACGTATATGGTGATGGAGTACTGCGTGTGTGGCATGCAGGAAATGCTGGACAGCGTGCC[G>T]GAGAAGCGTTTCCCAGTGTGCCAGGCCCACGGGTGCGTGCGCGGGGCAGGGGCCAGGGTG-3'
Protein context (NP_000446.1, residues 134-154): CGMQEMLDSV[Pro144=]EKRFPVCQAH

ClinVar aggregate classification (germline): Benign/Likely benign. Review status: criteria provided, multiple submitters, no conflicts (2 of 4 stars). 6 submissions from 6 submitters: Benign (1); Likely benign (5). Last evaluated 2025-09-27.

Conditions:
Peutz-Jeghers syndrome (PJS). Also called: POLYPOSIS, HAMARTOMATOUS INTESTINAL; POLYPS-AND-SPOTS SYNDROME; Peutz-Jeghers polyposis; Periorificial lentiginosis syndrome. Identifiers: Orphanet 2869, MedGen C0031269, MeSH D010580, MONDO:0008280, OMIM 175200.
Hereditary cancer-predisposing syndrome. Also called: Neoplastic Syndromes, Hereditary; Tumor predisposition; Hereditary Cancer Syndrome; Hereditary neoplastic syndrome. Identifiers: Orphanet 140162, MedGen C0027672, MeSH D009386, MONDO:0015356.

gnomAD v4.1: 1 of 1,598,382 alleles (0.000063%); highest among the groups gnomAD compares: East Asian, 0.0023%; no homozygotes.

Submissions (6):

Labcorp Genetics (formerly Invitae), Labcorp
Classification: Likely benign for Peutz-Jeghers syndrome. Last evaluated: 2025-09-27. Review status: criteria provided, single submitter. Criteria: Invitae Variant Classification Sherloc (09022015). Collection method: clinical testing. Allele origin: germline.

Myriad Genetics, Inc.
Classification: Benign for Peutz-Jeghers syndrome. Last evaluated: 2025-03-26. Review status: criteria provided, single submitter. Criteria: Myriad Autosomal Dominant, Autosomal Recessive and X-Linked Classification Criteria (2023). Collection method: clinical testing. Allele origin: unknown.
Comment: This variant is considered benign. This variant is a silent/synonymous amino acid change and it is not expected to impact splicing.

All of Us Research Program, National Institutes of Health
Classification: Likely benign for Peutz-Jeghers syndrome. Last evaluated: 2024-02-22. Review status: criteria provided, single submitter. Criteria: ACMG Guidelines, 2015. Collection method: clinical testing. Allele origin: germline. Inheritance: Autosomal dominant inheritance. Observed: 1 variant allele, 1 heterozygote.
Comment: This study involves interpretation of variants in research participants for the purpose of population health screening. Participant phenotype was not available at the time of variant classification. Additional details can be found in publication PMID: 35346344, PMCID: PMC8962531

Blueprint Genetics
Classification: Likely benign. Last evaluated: 2023-05-22. Review status: criteria provided, single submitter. Criteria: ACMG Guidelines, 2015. Collection method: clinical testing. Allele origin: germline.

Color Diagnostics, LLC DBA Color Health
Classification: Likely benign for Hereditary cancer-predisposing syndrome. Last evaluated: 2021-04-02. Review status: criteria provided, single submitter. Criteria: ACMG Guidelines, 2015. Collection method: clinical testing. Allele origin: germline.

Ambry Genetics
Classification: Likely benign for Hereditary cancer-predisposing syndrome. Last evaluated: 2018-05-03. Review status: criteria provided, single submitter. Criteria: Ambry Variant Classification Scheme 2023. Collection method: clinical testing. Allele origin: germline.